The following is an entry in ClinVar:

NM_005327.7(HADH):c.64_69del (p.Ala22_Lys23del)

Gene: HADH (hydroxyacyl-CoA dehydrogenase; plus strand). Cytogenetic location: 4q25.
Variant type: Deletion.
Coding change: c.64_69del on transcript NM_005327.7 (MANE Select); coding-DNA positions 64 to 69, 6 bases deleted (GCCAAG; older notation c.64_69delGCCAAG).
Protein change: p.Ala22_Lys23del.
Molecular consequence: inframe deletion.
Genome position (GRCh38, 1-based): chr4:107,989,996-107,990,001, GCCAAG deleted; deleting any 6 consecutive bases within chr4:107,989,995-107,990,001 gives the same sequence; the c. name uses the placement nearest the transcript's 3' end. VCF-style (leftmost placement, unchanged base first): chr4-107989994-CGGCCAA-C. GRCh37 (hg19) VCF-style: chr4-108911150-CGGCCAA-C.
Other names: c.64_69del, p.Ala22_Lys23del (NM_001184705.4).
Identifiers: ClinVar variation 2309467 (VCV002309467.2), dbSNP rs2477137516, ClinGen allele CA2580071330.
Genomic context (GRCh38, chr4:107,989,994, plus strand): 5'-TGGCCTTCGTCACCAGGCAGTTCATGCGTTCCGTGTCCTCCTCGTCCACCGCCTCGGCCT[CGGCCAA>C]GAAGATAATCGTCAAGCACGTGACGGTCATCGGCGGCGGGCTGATGGGCGCCGGCATTGC-3'

ClinVar aggregate classification (germline): Uncertain significance (1 of 4 stars; one submission).

Conditions:
Inborn genetic diseases. Identifiers: MedGen C0950123, MeSH D030342.

Submission:

Ambry Genetics
Classification: Uncertain significance for Inborn genetic diseases. Last evaluated: 2022-09-19. Review status: criteria provided, single submitter. Criteria: Ambry Variant Classification Scheme 2023. Collection method: clinical testing. Allele origin: germline.
Comment: The c.64_69delGCCAAG (p.A22_K23del) alteration is located in exon 1 (coding exon 1) of the HADH gene. This alteration consists of an in-frame deletion of 6 nucleotides between nucleotide positions c.64 and c.69, resulting in the deletion of <NA> residues. Based on insufficient or conflicting evidence, the clinical significance of this alteration remains unclear.